The following is an entry in ClinVar:

ClinVar aggregate classification (germline): Uncertain significance (1 of 4 stars; one submission).

Submission:

Labcorp Genetics (formerly Invitae), Labcorp
Classification: Uncertain significance. Last evaluated: 2022-01-06. Review status: criteria provided, single submitter. Criteria: Invitae Variant Classification Sherloc (09022015). Collection method: clinical testing. Allele origin: germline.
Comment: In summary, the available evidence is currently insufficient to determine the role of this variant in disease. Therefore, it has been classified as a Variant of Uncertain Significance. Algorithms developed to predict the effect of missense changes on protein structure and function are either unavailable or do not agree on the potential impact of this missense change (SIFT: "Deleterious"; PolyPhen-2: "Probably Damaging"; Align-GVGD: "Class C0"). This variant has not been reported in the literature in individuals affected with ALPK3-related conditions. This variant is not present in population databases (gnomAD no frequency). This sequence change replaces tryptophan, which is neutral and slightly polar, with arginine, which is basic and polar, at codon 1765 of the ALPK3 protein (p.Trp1765Arg).

NM_020778.5(ALPK3):c.4687T>A (p.Trp1563Arg)

Gene: ALPK3 (alpha kinase 3; plus strand). Cytogenetic location: 15q25.3.
Variant type: single nucleotide variant.
Coding change: c.4687T>A on transcript NM_020778.5 (MANE Select); coding-DNA position 4687, T replaced by A.
Protein change: p.Trp1563Arg; replaces tryptophan 1563 with arginine.
Molecular consequence: missense variant.
Genome position (GRCh38, 1-based): chr15:84,864,629, T>A. VCF-style: chr15-84864629-T-A. GRCh37 (hg19) VCF-style: chr15-85407860-T-A.
Other names: short protein forms W1563R.
Identifiers: ClinVar variation 2076483 (VCV002076483.4), dbSNP rs2505729871, ClinGen allele CA393365308.